The following is an entry in ClinVar:

NM_024306.5(FA2H):c.*783G>A

Gene: FA2H (fatty acid 2-hydroxylase; minus strand). Cytogenetic location: 16q23.1.
Variant type: single nucleotide variant.
Coding change: c.*783G>A on transcript NM_024306.5 (MANE Select); 783 bases downstream of the stop codon, G replaced by A.
Molecular consequence: 3 prime UTR variant.
Genome position (GRCh38, 1-based): chr16:74,713,407, C>T on the plus strand (G>A on the coding strand, the complement: FA2H is on the minus strand). VCF-style: chr16-74713407-C-T. GRCh37 (hg19) VCF-style: chr16-74747305-C-T.
Identifiers: ClinVar variation 320472 (VCV000320472.5), dbSNP rs150692675, ClinGen allele CA10648932.
Genomic context (GRCh38, chr16:74,713,407, plus strand): 5'-ATCTGCGGAGGCTGGGAGGCAGGGGGAGGTGAGGCACTGAGAGGTGGCTCCTTCTGGGAG[C>T]GCCCGAGTAGGGGCCTGAGCGGGGTGGAGGCCAAGAATGGCCAGGGACGGGGTGGGGCTG-3'

ClinVar aggregate classification (germline): Likely benign (1 of 4 stars; one submission).

Conditions:
Hereditary spastic paraplegia 35. Also called: Spastic paraplegia 35; SPASTIC PARAPLEGIA 35, AUTOSOMAL RECESSIVE, WITH OR WITHOUT NEURODEGENERATION; LEUKODYSTROPHY, DYSMYELINATING, AND SPASTIC PARAPARESIS WITH OR WITHOUT DYSTONIA; Spastic paraplegia 35, autosomal recessive. Identifiers: Orphanet 171629, MedGen C3496228, MONDO:0012866, OMIM 612319.

Allele frequency attached by ClinVar (database versions not stated): gnomAD 0.00022 and 0.00035; TOPMed 0.00084; 1000 Genomes Project 0.00240; 1000 Genomes Project 30x 0.00250.

Submission:

Illumina Laboratory Services, Illumina
Classification: Likely benign for Hereditary spastic paraplegia 35. Last evaluated: 2018-01-13. Review status: criteria provided, single submitter. Criteria: ICSL Variant Classification Criteria 13 December 2019. Collection method: clinical testing. Allele origin: germline.
Comment: This variant was observed in the ICSL laboratory as part of a predisposition screen in an ostensibly healthy population. It had not been previously curated by ICSL or reported in the Human Gene Mutation Database (HGMD: prior to June 1st, 2018), and was therefore a candidate for classification through an automated scoring system. Utilizing variant allele frequency, disease prevalence and penetrance estimates, and inheritance mode, an automated score was calculated to assess if this variant is too frequent to cause the disease. Based on the score and internal cut-off values, a variant classified as likely benign is not then subjected to further curation. The score for this variant resulted in a classification of likely benign for this disease.